The following is an entry in ClinVar:

NM_022482.5(GZF1):c.913G>A (p.Glu305Lys)

Gene: GZF1 (GDNF inducible zinc finger protein 1; plus strand). Cytogenetic location: 20p11.21.
Variant type: single nucleotide variant.
Coding change: c.913G>A on transcript NM_022482.5 (MANE Select); coding-DNA position 913, G replaced by A.
Protein change: p.Glu305Lys; replaces glutamic acid 305 with lysine.
Molecular consequence: missense variant.
Genome position (GRCh38, 1-based): chr20:23,365,296, G>A. VCF-style: chr20-23365296-G-A. GRCh37 (hg19) VCF-style: chr20-23345933-G-A.
Other names: c.913G>A, p.Glu305Lys (NM_001317012.2, NM_001317019.1); short protein forms E305K.
Identifiers: ClinVar variation 1367707 (VCV001367707.4), dbSNP rs772684521, ClinGen allele CA9788606.

ClinVar aggregate classification (germline): Uncertain significance (1 of 4 stars; one submission).

Allele frequency attached by ClinVar (database versions not stated): gnomAD exomes 0.00001 and 0.00003; TOPMed 0.00001; ExAC 0.00003; gnomAD 0.00003.
gnomAD v4.1: 27 of 1,607,360 alleles (0.0017%); highest among the groups gnomAD compares: Non-Finnish European, 0.00043%; no homozygotes.

Submission:

Labcorp Genetics (formerly Invitae), Labcorp
Classification: Uncertain significance. Last evaluated: 2022-11-22. Review status: criteria provided, single submitter. Criteria: Invitae Variant Classification Sherloc (09022015). Collection method: clinical testing. Allele origin: germline.
Comment: In summary, the available evidence is currently insufficient to determine the role of this variant in disease. Therefore, it has been classified as a Variant of Uncertain Significance. Algorithms developed to predict the effect of missense changes on protein structure and function are either unavailable or do not agree on the potential impact of this missense change (SIFT: "Not Available"; PolyPhen-2: "Benign"; Align-GVGD: "Not Available"). ClinVar contains an entry for this variant (Variation ID: 1367707). This variant has not been reported in the literature in individuals affected with GZF1-related conditions. The frequency data for this variant in the population databases is considered unreliable, as metrics indicate poor data quality at this position in the gnomAD database. This sequence change replaces glutamic acid with lysine at codon 305 of the GZF1 protein (p.Glu305Lys). The glutamic acid residue is weakly conserved and there is a small physicochemical difference between glutamic acid and lysine.